The following is an entry in ClinVar:

ClinVar aggregate classification (germline): Uncertain significance. Review status: criteria provided, multiple submitters, no conflicts (2 of 4 stars). 5 submissions from 5 submitters: Uncertain significance (4). 1 of the submissions does not count toward it. Last evaluated 2024-10-15.

Conditions:
Usher syndrome type 1D (USH1D). Also called: USHER SYNDROME, TYPE ID. Identifiers: Orphanet 231169, Orphanet 886, MedGen C1832845, MONDO:0010984, OMIM 601067.
Usher syndrome type 1F (USH1F). Also called: USHER SYNDROME, TYPE IF. Identifiers: Orphanet 231169, Orphanet 886, MedGen C1865885, MONDO:0011186, OMIM 602083.
Autosomal recessive nonsyndromic hearing loss 23. Identifiers: Orphanet 90636, MedGen C1836027, MONDO:0012293, OMIM 609533.
Inborn genetic diseases. Identifiers: MedGen C0950123, MeSH D030342.

Allele frequency attached by ClinVar (database versions not stated): 1000 Genomes Project 30x 0.00031; ExAC 0.00002; gnomAD exomes 0.00003 and 0.00008; gnomAD 0.00004; TOPMed 0.00009; 1000 Genomes Project 0.00020.
gnomAD v4.1: 58 of 1,614,180 alleles (0.0036%); highest among the groups gnomAD compares: Middle Eastern, 0.066%; no homozygotes.

Submissions (5):

Blueprint Genetics
Classification: Uncertain significance. Last evaluated: 2024-10-15. Review status: criteria provided, single submitter. Criteria: ACMG Guidelines, 2015. Collection method: clinical testing. Allele origin: germline.

Ambry Genetics
Classification: Uncertain significance for Inborn genetic diseases. Last evaluated: 2023-11-29. Review status: criteria provided, single submitter. Criteria: Ambry Variant Classification Scheme 2023. Collection method: clinical testing. Allele origin: germline.

Labcorp Genetics (formerly Invitae), Labcorp
Classification: Uncertain significance. Last evaluated: 2022-10-25. Review status: criteria provided, single submitter. Criteria: Invitae Variant Classification Sherloc (09022015). Collection method: clinical testing. Allele origin: germline.
Comment: This sequence change replaces arginine, which is basic and polar, with glycine, which is neutral and non-polar, at codon 1604 of the PCDH15 protein (p.Arg1604Gly). This variant is present in population databases (rs558224212, gnomAD 0.02%). This variant has not been reported in the literature in individuals affected with PCDH15-related conditions. ClinVar contains an entry for this variant (Variation ID: 967773). Algorithms developed to predict the effect of missense changes on protein structure and function are either unavailable or do not agree on the potential impact of this missense change (SIFT: "Deleterious"; PolyPhen-2: "Benign"; Align-GVGD: "Class C0"). In summary, the available evidence is currently insufficient to determine the role of this variant in disease. Therefore, it has been classified as a Variant of Uncertain Significance.

Fulgent Genetics
Classification: Uncertain significance for Usher syndrome type 1D; Usher syndrome type 1F; Autosomal recessive nonsyndromic hearing loss 23. Last evaluated: 2022-04-29. Review status: criteria provided, single submitter. Criteria: ACMG Guidelines, 2015. Collection method: clinical testing. Allele origin: unknown.

Natera, Inc.
Classification: Uncertain significance for Usher syndrome type 1F. Last evaluated: 2020-01-18. Review status: no assertion criteria provided. Collection method: clinical testing. Allele origin: germline. Not counted in ClinVar's aggregate classification.

NM_033056.4(PCDH15):c.4810A>G (p.Arg1604Gly)

Gene: PCDH15 (protocadherin related 15; minus strand). Cytogenetic location: 10q21.1.
Variant type: single nucleotide variant.
Coding change: c.4810A>G on transcript NM_033056.4 (MANE Plus Clinical); coding-DNA position 4810, A replaced by G.
Protein change: p.Arg1604Gly; replaces arginine 1604 with glycine.
Molecular consequence: missense variant. On other transcripts: intron variant (8).
Genome position (GRCh38, 1-based): chr10:53,822,916, T>C on the plus strand (A>G on the coding strand, the complement: PCDH15 is on the minus strand). VCF-style: chr10-53822916-T-C. GRCh37 (hg19) VCF-style: chr10-55582676-T-C.
Other names: c.4831A>G, p.Arg1611Gly (NM_001142763.2); c.4816A>G, p.Arg1606Gly (NM_001142764.2); c.4603A>G, p.Arg1535Gly (NM_001142765.2); c.4801A>G, p.Arg1601Gly (NM_001142766.2); c.4690A>G, p.Arg1564Gly (NM_001142767.2); c.4750A>G, p.Arg1584Gly (NM_001142768.2); c.4741A>G, p.Arg1581Gly (NM_001142773.2); c.4744A>G, p.Arg1582Gly (NM_001354404.2); and 6 more; short protein forms R1535G, R1564G, R1582G, R1584G, R1581G, R1606G, R1611G, R1601G.
Identifiers: ClinVar variation 967773 (VCV000967773.8), dbSNP rs558224212, ClinGen allele CA5505186.